The following is an entry in ClinVar:

ClinVar aggregate classification (germline): Uncertain significance. Review status: criteria provided, multiple submitters, no conflicts (2 of 4 stars). 3 submissions from 3 submitters: Uncertain significance (3). Last evaluated 2024-07-08.

Conditions:
Long QT syndrome (LQTS). Identifiers: MedGen C0023976, MeSH D008133, MONDO:0002442. Disease mechanism: loss of function. Inheritance: Various modes of inheritance.
Cardiovascular phenotype. Identifiers: MedGen CN230736.

Allele frequency attached by ClinVar (database versions not stated): gnomAD exomes below 0.00001; gnomAD 0.00001; TOPMed 0.00003.
gnomAD v4.1: 2 of 1,571,582 alleles (0.00013%); highest among the groups gnomAD compares: African/African-American, 0.0027%; no homozygotes.

Submissions (3):

Women's Health and Genetics/Laboratory Corporation of America, LabCorp
Classification: Uncertain significance. Last evaluated: 2024-07-08. Review status: criteria provided, single submitter. Criteria: LabCorp Variant Classification Summary - May 2015. Collection method: clinical testing. Allele origin: germline.

Labcorp Genetics (formerly Invitae), Labcorp
Classification: Uncertain significance for Long QT syndrome. Last evaluated: 2022-08-27. Review status: criteria provided, single submitter. Criteria: Invitae Variant Classification Sherloc (09022015). Collection method: clinical testing. Allele origin: germline.
Comment: This sequence change replaces glutamine, which is neutral and polar, with glutamic acid, which is acidic and polar, at codon 2249 of the AKAP9 protein (p.Gln2249Glu). This variant is not present in population databases (gnomAD no frequency). In summary, the available evidence is currently insufficient to determine the role of this variant in disease. Therefore, it has been classified as a Variant of Uncertain Significance. Algorithms developed to predict the effect of missense changes on protein structure and function are either unavailable or do not agree on the potential impact of this missense change (SIFT: "Tolerated"; PolyPhen-2: "Probably Damaging"; Align-GVGD: "Class C0"). This variant has not been reported in the literature in individuals affected with AKAP9-related conditions.

Ambry Genetics
Classification: Uncertain significance for Cardiovascular phenotype. Last evaluated: 2021-07-08. Review status: criteria provided, single submitter. Criteria: Ambry Variant Classification Scheme 2023. Collection method: clinical testing. Allele origin: germline.
Comment: The p.Q2249E variant (also known as c.6745C>G), located in coding exon 29 of the AKAP9 gene, results from a C to G substitution at nucleotide position 6745. The glutamine at codon 2249 is replaced by glutamic acid, an amino acid with highly similar properties. This amino acid position is well conserved in available vertebrate species. In addition, this alteration is predicted to be tolerated by in silico analysis. Since supporting evidence is limited at this time, the clinical significance of this alteration remains unclear.

NM_005751.5(AKAP9):c.6745C>G (p.Gln2249Glu)

Gene: AKAP9 (A-kinase anchoring protein 9; plus strand). Cytogenetic location: 7q21.2.
Variant type: single nucleotide variant.
Coding change: c.6745C>G on transcript NM_005751.5 (MANE Select); coding-DNA position 6745, C replaced by G.
Protein change: p.Gln2249Glu; replaces glutamine 2249 with glutamic acid.
Molecular consequence: missense variant.
Genome position (GRCh38, 1-based): chr7:92,076,987, C>G. VCF-style: chr7-92076987-C-G. GRCh37 (hg19) VCF-style: chr7-91706301-C-G.
Other names: c.1390C>G, p.Gln464Glu (NM_001379277.1); c.6721C>G, p.Gln2241Glu (NM_147185.3); short protein forms Q464E, Q2241E, Q2249E.
Identifiers: ClinVar variation 1755207 (VCV001755207.8), dbSNP rs1051721340, ClinGen allele CA161884072.